The following is an entry in ClinVar:

NM_004700.4(KCNQ4):c.1248C>T (p.Ala416=)

Gene: KCNQ4 (potassium voltage-gated channel subfamily Q member 4; plus strand). Cytogenetic location: 1p34.2.
Variant type: single nucleotide variant.
Coding change: c.1248C>T on transcript NM_004700.4 (MANE Select); coding-DNA position 1248, C replaced by T.
Protein change: p.Ala416=; no amino-acid change (alanine 416 retained).
Molecular consequence: synonymous variant. On other transcripts: intron variant (1).
Genome position (GRCh38, 1-based): chr1:40,824,214, C>T. VCF-style: chr1-40824214-C-T. GRCh37 (hg19) VCF-style: chr1-41289886-C-T.
Other names: c.1248C>T (NM_004700.3); c.1130+1812C>T (NM_172163.3).
Identifiers: ClinVar variation 2070868 (VCV002070868.5), dbSNP rs375514223, ClinGen allele CA794816.

ClinVar aggregate classification (germline): Benign/Likely benign. Review status: criteria provided, multiple submitters, no conflicts (2 of 4 stars). 2 submissions from 2 submitters: Benign (1); Likely benign (1). Last evaluated 2025-11-11.

Conditions:
KCNQ4-related disorder. Also called: KCNQ4-related condition.

Allele frequency attached by ClinVar (database versions not stated): gnomAD exomes 0.00003; ExAC 0.00006; TOPMed 0.00006; gnomAD 0.00007; 1000 Genomes Project 30x 0.00031; 1000 Genomes Project 0.00040.
gnomAD v4.1: 60 of 1,604,898 alleles (0.0037%); highest among the groups gnomAD compares: East Asian, 0.065%; no homozygotes.

Submissions (2):

PreventionGenetics, part of Exact Sciences
Classification: Likely benign for KCNQ4-related condition. Last evaluated: 2025-11-11. Review status: criteria provided, single submitter. Criteria: ACMG Guidelines, 2015. Collection method: clinical testing. Allele origin: germline.
Comment: This variant is classified as likely benign based on ACMG/AMP sequence variant interpretation guidelines (Richards et al. 2015 PMID: 25741868, with internal and published modifications).

Labcorp Genetics (formerly Invitae), Labcorp
Classification: Benign. Last evaluated: 2024-08-31. Review status: criteria provided, single submitter. Criteria: Invitae Variant Classification Sherloc (09022015). Collection method: clinical testing. Allele origin: germline.